The following is an entry in ClinVar:

NM_000350.3(ABCA4):c.3335C>A (p.Thr1112Asn)

Gene: ABCA4 (ATP binding cassette subfamily A member 4; minus strand). Cytogenetic location: 1p22.1.
Variant type: single nucleotide variant.
Coding change: c.3335C>A on transcript NM_000350.3 (MANE Select); coding-DNA position 3335, C replaced by A.
Protein change: p.Thr1112Asn; replaces threonine 1112 with asparagine.
Molecular consequence: missense variant.
Genome position (GRCh38, 1-based): chr1:94,041,396, G>T on the plus strand (C>A on the coding strand, the complement: ABCA4 is on the minus strand). VCF-style: chr1-94041396-G-T. GRCh37 (hg19) VCF-style: chr1-94506952-G-T.
Other names: c.3113C>A, p.Thr1038Asn (NM_001425324.1); short protein forms T1112N, T1038N.
Identifiers: ClinVar variation 99222 (VCV000099222.10), dbSNP rs61750122, ClinGen allele CA227112.
Genomic context (GRCh38, chr1:94,041,396, plus strand): 5'-ATGGCAATGCGGTCCCCAAGGAGGTCGGCCTCGTCCATGTGGTGAGTGGACATGATGATG[G>T]TTCTGCCTGCAAGGTAGGGGCCAGGGCAATCACCAGGCCTGCCCTGGGTTGGGCATTGTT-3'
Protein context (NP_000341.2, residues 1102-1122): DLLLKYRSGR[Thr1112Asn]IIMSTHHMDE

ClinVar aggregate classification (germline): Pathogenic/Likely pathogenic. Review status: criteria provided, multiple submitters, no conflicts (2 of 4 stars). 3 submissions from 3 submitters: Pathogenic (1); Likely pathogenic (1). 1 of the submissions does not count toward it. Last evaluated 2025-04-08.

Conditions:
ABCA4-related disorder. Also called: ABCA4-related disorders; ABCA4-related condition. Identifiers: MedGen CN239167.

Allele frequency attached by ClinVar (database versions not stated): gnomAD exomes below 0.00001; TOPMed below 0.00001; gnomAD 0.00001.
gnomAD v4.1: 2 of 1,613,590 alleles (0.00012%); highest among the groups gnomAD compares: Non-Finnish European, 0.00017%; no homozygotes.

Submissions (3):

Labcorp Genetics (formerly Invitae), Labcorp
Classification: Pathogenic. Last evaluated: 2025-04-08. Review status: criteria provided, single submitter. Criteria: Invitae Variant Classification Sherloc (09022015). Collection method: clinical testing. Allele origin: germline.
Comment: This sequence change replaces threonine, which is neutral and polar, with asparagine, which is neutral and polar, at codon 1112 of the ABCA4 protein (p.Thr1112Asn). This variant is not present in population databases (gnomAD no frequency). This missense change has been observed in individual(s) with Stargardt disease (PMID: 10090887, 25444351, 28559085). In at least one individual the data is consistent with being in trans (on the opposite chromosome) from a pathogenic variant. ClinVar contains an entry for this variant (Variation ID: 99222). Invitae Evidence Modeling of protein sequence and biophysical properties (such as structural, functional, and spatial information, amino acid conservation, physicochemical variation, residue mobility, and thermodynamic stability) indicates that this missense variant is expected to disrupt ABCA4 protein function with a positive predictive value of 95%. For these reasons, this variant has been classified as Pathogenic.

Blueprint Genetics
Classification: Likely pathogenic for ABCA4-related disorders. Last evaluated: 2019-09-27. Review status: criteria provided, single submitter. Criteria: ACMG Guidelines, 2015. Collection method: clinical testing. Allele origin: germline. Affected: yes. Observed: 1 variant allele.

Retina International
No classification provided. Review status: no classification provided. Collection method: not provided. Allele origin: not provided. Not counted in ClinVar's aggregate classification.

Literature cited by the submitters: PubMed 10090887 (cited by Labcorp Genetics (formerly Invitae), Labcorp); PubMed 25444351 (cited by Labcorp Genetics (formerly Invitae), Labcorp); PubMed 28559085 (cited by Labcorp Genetics (formerly Invitae), Labcorp).